The following is an entry in ClinVar:

ClinVar aggregate classification (germline): Uncertain significance (1 of 4 stars; one submission).

Conditions:
Neuropathy, hereditary sensory and autonomic, type 2A (HSAN2A). Also called: MORVAN DISEASE; NEUROPATHY, CONGENITAL SENSORY; NEUROPATHY, HEREDITARY SENSORY RADICULAR, AUTOSOMAL RECESSIVE; NEUROPATHY, HEREDITARY SENSORY, TYPE IIA; NEUROPATHY, PROGRESSIVE SENSORY, OF CHILDREN; ACROOSTEOLYSIS, GIACCAI TYPE. Identifiers: Orphanet 970, MedGen C2752089, MONDO:0024309, OMIM 201300.
Generalized epilepsy with febrile seizures plus, type 7 (GEFSP7). Also called: GEFS+, TYPE 7. Identifiers: Orphanet 36387, MedGen C2751778, MONDO:0013470, OMIM 613863.

Submission:

Labcorp Genetics (formerly Invitae), Labcorp
Classification: Uncertain significance for Neuropathy, hereditary sensory and autonomic, type 2A; Generalized epilepsy with febrile seizures plus, type 7. Last evaluated: 2024-05-21. Review status: criteria provided, single submitter. Criteria: Invitae Variant Classification Sherloc (09022015). Collection method: clinical testing. Allele origin: germline.
Comment: This sequence change replaces leucine, which is neutral and non-polar, with isoleucine, which is neutral and non-polar, at codon 109 of the SCN9A protein (p.Leu109Ile). This variant is not present in population databases (gnomAD no frequency). This variant has not been reported in the literature in individuals affected with SCN9A-related conditions. Advanced modeling of protein sequence and biophysical properties (such as structural, functional, and spatial information, amino acid conservation, physicochemical variation, residue mobility, and thermodynamic stability) performed at Invitae indicates that this missense variant is not expected to disrupt SCN9A protein function with a negative predictive value of 95%. In summary, the available evidence is currently insufficient to determine the role of this variant in disease. Therefore, it has been classified as a Variant of Uncertain Significance.

NM_001365536.1(SCN9A):c.325C>A (p.Leu109Ile)

Gene: SCN9A (sodium voltage-gated channel alpha subunit 9; minus strand). Cytogenetic location: 2q24.3.
Variant type: single nucleotide variant.
Coding change: c.325C>A on transcript NM_001365536.1 (MANE Select); coding-DNA position 325, C replaced by A.
Protein change: p.Leu109Ile; replaces leucine 109 with isoleucine.
Molecular consequence: missense variant.
Genome position (GRCh38, 1-based): chr2:166,307,008, G>T on the plus strand (C>A on the coding strand, the complement: SCN9A is on the minus strand). VCF-style: chr2-166307008-G-T. GRCh37 (hg19) VCF-style: chr2-167163518-G-T.
Other names: c.325C>A, p.Leu109Ile (NM_002977.4); short protein forms L109I.
Identifiers: ClinVar variation 3756465 (VCV003756465.2).